The following is an entry in ClinVar:

ClinVar aggregate classification (germline): Benign/Likely benign. Review status: criteria provided, multiple submitters, no conflicts (2 of 4 stars). 3 submissions from 3 submitters: Benign (1); Likely benign (2). Last evaluated 2025-12-29.

Conditions:
Jeune thoracic dystrophy. Also called: Infantile thoracic dystrophy; Thoracic pelvic phalangeal dystrophy; Jeune's syndrome; Chondroectodermal dysplasia-like syndrome; Short-rib thoracic dysplasia; Jeune syndrome. Identifiers: Orphanet 474, MedGen C0265275, MONDO:0018770.
Asphyxiating thoracic dystrophy 3. Also called: SHORT-RIB THORACIC DYSPLASIA 3 WITH OR WITHOUT POLYDACTYLY; POLYDACTYLY WITH NEONATAL CHONDRODYSTROPHY, TYPE I; SHORT-RIB THORACIC DYSPLASIA 3/6 WITH POLYDACTYLY, DIGENIC; Short rib polydactyly syndrome 2B; Saldino-Noonan Syndrome. Identifiers: Orphanet 474, Orphanet 93269, Orphanet 93270, Orphanet 93271, MedGen C0036069, MONDO:0013127, OMIM 613091.

Allele frequency attached by ClinVar (database versions not stated): gnomAD 0.00016 and 0.00023; gnomAD exomes 0.00024 and 0.00043; TOPMed 0.00025; ExAC 0.00044; 1000 Genomes Project 30x 0.00094; 1000 Genomes Project 0.00100.
gnomAD v4.1: 376 of 1,602,444 alleles (0.023%); highest among the groups gnomAD compares: East Asian, 0.81%; no homozygotes.

Submissions (3):

Labcorp Genetics (formerly Invitae), Labcorp
Classification: Benign for Jeune thoracic dystrophy. Last evaluated: 2025-12-29. Review status: criteria provided, single submitter. Criteria: Invitae Variant Classification Sherloc (09022015). Collection method: clinical testing. Allele origin: germline.

Blueprint Genetics
Classification: Likely benign. Last evaluated: 2024-06-18. Review status: criteria provided, single submitter. Criteria: ACMG Guidelines, 2015. Collection method: clinical testing. Allele origin: germline.

Illumina Laboratory Services, Illumina
Classification: Likely benign for Asphyxiating thoracic dystrophy 3. Last evaluated: 2018-01-13. Review status: criteria provided, single submitter. Criteria: ICSL Variant Classification Criteria 13 December 2019. Collection method: clinical testing. Allele origin: germline.
Comment: This variant was observed in the ICSL laboratory as part of a predisposition screen in an ostensibly healthy population. It had not been previously curated by ICSL or reported in the Human Gene Mutation Database (HGMD: prior to June 1st, 2018), and was therefore a candidate for classification through an automated scoring system. Utilizing variant allele frequency, disease prevalence and penetrance estimates, and inheritance mode, an automated score was calculated to assess if this variant is too frequent to cause the disease. Based on the score and internal cut-off values, a variant classified as likely benign is not then subjected to further curation. The score for this variant resulted in a classification of likely benign for this disease.

NM_001377.3(DYNC2H1):c.5313A>G (p.Val1771=)

Gene: DYNC2H1 (dynein cytoplasmic 2 heavy chain 1; plus strand). Cytogenetic location: 11q22.3.
Variant type: single nucleotide variant.
Coding change: c.5313A>G on transcript NM_001377.3 (MANE Select); coding-DNA position 5313, A replaced by G.
Protein change: p.Val1771=; no amino-acid change (valine 1771 retained).
Molecular consequence: synonymous variant.
Genome position (GRCh38, 1-based): chr11:103,171,047, A>G. VCF-style: chr11-103171047-A-G. GRCh37 (hg19) VCF-style: chr11-103041776-A-G.
Other names: c.5313A>G, p.Val1771= (NM_001080463.2).
Identifiers: ClinVar variation 302043 (VCV000302043.11), dbSNP rs144553338, ClinGen allele CA6253735.